The following is an entry in ClinVar:

ClinVar aggregate classification (germline): Pathogenic. Review status: criteria provided, multiple submitters, no conflicts (2 of 4 stars). 2 submissions from 2 submitters: Pathogenic (2). Last evaluated 2024-12-18.

Conditions:
CFTR-related disorder (CFTR-RD). Also called: CFTR-related condition; CFTR-related disorders. Identifiers: MedGen C5924204, MONDO:7770004.
Cystic fibrosis (CF). Also called: MUCOVISCIDOSIS. Identifiers: Orphanet 586, MedGen C0010674, MONDO:0009061, OMIM 219700. Disease mechanism: loss of function.

Submissions (2):

Natera, Inc.
Classification: Pathogenic for CFTR-related disorders. Last evaluated: 2024-12-18. Review status: criteria provided, single submitter. Criteria: Natera Variant Classification Schema (03/2026). Collection method: clinical testing. Allele origin: germline.
Comment: The c.1162_1168delACGACTA variant in CFTR is a frameshift variant predicted to shift the reading frame beginning at codon 388 and leads to a stop codon 3 codons downstream. This variant is expected to result in nonsense mediated decay, truncation, or a dysfunctional protein product. This variant is rare in the general population with a frequency below the threshold expected for the associated phenotype(s). This variant has been observed in one or more individuals affected with the associated recessive disease, as either homozygous or compound heterozygous with a second variant (PMID: 22271776, 32084388). Given the available evidence, this variant is classified as Pathogenic.

CFTR-France
Classification: Pathogenic for cystic fibrosis. Last evaluated: 2018-01-29. Review status: criteria provided, single submitter. Criteria: Claustres M et al. (Hum Mutat 2017). Collection method: curation. Allele origin: germline. Affected: yes.

Literature cited by the submitters: PubMed 22271776 (cited by Natera, Inc.); PubMed 32084388 (cited by Natera, Inc.).

NM_000492.4(CFTR):c.1162_1168del (p.Thr388fs)

Gene: CFTR (CF transmembrane conductance regulator; plus strand). Cytogenetic location: 7q31.2.
Variant type: Deletion.
Coding change: c.1162_1168del on transcript NM_000492.4 (MANE Select); coding-DNA positions 1162 to 1168, 7 bases deleted (ACGACTA; older notation c.1162_1168delACGACTA).
Protein change: p.Thr388fs; shifts the reading frame from threonine 388.
Molecular consequence: frameshift variant.
Genome position (GRCh38, 1-based): chr7:117,542,061-117,542,067, ACGACTA deleted; deleting any 7 consecutive bases within chr7:117,542,059-117,542,067 gives the same sequence; the c. name uses the placement nearest the transcript's 3' end. VCF-style (leftmost placement, unchanged base first): chr7-117542058-TTAACGAC-T. GRCh37 (hg19) VCF-style: chr7-117182112-TTAACGAC-T.
Other names: c.1162_1168delACGACTA (NM_000492.3); short protein forms T388fs.
Identifiers: ClinVar variation 53205 (VCV000053205.2), dbSNP rs397508169, ClinGen allele CA326421.